The following is an entry in ClinVar:

ClinVar aggregate classification (germline): Uncertain significance. Review status: criteria provided, multiple submitters, no conflicts (2 of 4 stars). 3 submissions from 3 submitters: Uncertain significance (3). Last evaluated 2024-09-27.

Conditions:
Inborn genetic diseases. Identifiers: MedGen C0950123, MeSH D030342.
Weill-Marchesani 4 syndrome, recessive. Also called: Weill-Marchesani syndrome 4. Identifiers: Orphanet 363992, MedGen C2750787, MONDO:0013176, OMIM 613195.

Allele frequency attached by ClinVar (database versions not stated): TOPMed 0.00009; gnomAD 0.00010; gnomAD exomes 0.00017 and 0.00059.
gnomAD v4.1: 188 of 1,176,098 alleles (0.016%); highest among the groups gnomAD compares: Middle Eastern, 0.035%; 1 homozygote.

Submissions (3):

Ambry Genetics
Classification: Uncertain significance for Inborn genetic diseases. Last evaluated: 2024-09-27. Review status: criteria provided, single submitter. Criteria: Ambry Variant Classification Scheme 2023. Collection method: clinical testing. Allele origin: germline.

Labcorp Genetics (formerly Invitae), Labcorp
Classification: Uncertain significance. Last evaluated: 2022-08-17. Review status: criteria provided, single submitter. Criteria: Invitae Variant Classification Sherloc (09022015). Collection method: clinical testing. Allele origin: germline.
Comment: This sequence change replaces alanine, which is neutral and non-polar, with serine, which is neutral and polar, at codon 71 of the ADAMTS17 protein (p.Ala71Ser). The frequency data for this variant in the population databases is considered unreliable, as metrics indicate poor data quality at this position in the gnomAD database. This variant has not been reported in the literature in individuals affected with ADAMTS17-related conditions. ClinVar contains an entry for this variant (Variation ID: 887946). Algorithms developed to predict the effect of missense changes on protein structure and function output the following: SIFT: "Not Available"; PolyPhen-2: "Benign"; Align-GVGD: "Not Available". The serine amino acid residue is found in multiple mammalian species, which suggests that this missense change does not adversely affect protein function. In summary, the available evidence is currently insufficient to determine the role of this variant in disease. Therefore, it has been classified as a Variant of Uncertain Significance.

Illumina Laboratory Services, Illumina
Classification: Uncertain significance for Weill-Marchesani 4 syndrome, recessive. Last evaluated: 2018-01-13. Review status: criteria provided, single submitter. Criteria: ICSL Variant Classification Criteria 13 December 2019. Collection method: clinical testing. Allele origin: germline.

NM_139057.4(ADAMTS17):c.211G>T (p.Ala71Ser)

Gene: ADAMTS17 (ADAM metallopeptidase with thrombospondin type 1 motif 17; minus strand). Cytogenetic location: 15q26.3.
Variant type: single nucleotide variant.
Coding change: c.211G>T on transcript NM_139057.4 (MANE Select); coding-DNA position 211, G replaced by T.
Protein change: p.Ala71Ser; replaces alanine 71 with serine.
Molecular consequence: missense variant.
Genome position (GRCh38, 1-based): chr15:100,341,278, C>A on the plus strand (G>T on the coding strand, the complement: ADAMTS17 is on the minus strand). VCF-style: chr15-100341278-C-A. GRCh37 (hg19) VCF-style: chr15-100881483-C-A.
Other names: short protein forms A71S.
Identifiers: ClinVar variation 887946 (VCV000887946.7), dbSNP rs1042212825, ClinGen allele CA275938180.